The following is an entry in ClinVar:

ClinVar aggregate classification (germline): Uncertain significance. Review status: criteria provided, multiple submitters, no conflicts (2 of 4 stars). 2 submissions from 2 submitters: Uncertain significance (2). Last evaluated 2024-12-23.

Conditions:
Hereditary cancer-predisposing syndrome. Also called: Tumor predisposition; Hereditary Cancer Syndrome; Hereditary neoplastic syndrome; Neoplastic Syndromes, Hereditary. Identifiers: Orphanet 140162, MedGen C0027672, MeSH D009386, MONDO:0015356.

gnomAD v4.1: 2 of 1,613,514 alleles (0.00012%); highest among the groups gnomAD compares: Admixed American, 0.0017%; no homozygotes.

Submissions (2):

Labcorp Genetics (formerly Invitae), Labcorp
Classification: Uncertain significance. Last evaluated: 2024-12-23. Review status: criteria provided, single submitter. Criteria: Invitae Variant Classification Sherloc (09022015). Collection method: clinical testing. Allele origin: germline.
Comment: This sequence change replaces lysine, which is basic and polar, with asparagine, which is neutral and polar, at codon 375 of the MSH3 protein (p.Lys375Asn). This variant is not present in population databases (gnomAD no frequency). This variant has not been reported in the literature in individuals affected with MSH3-related conditions. An algorithm developed to predict the effect of missense changes on protein structure and function outputs the following: PolyPhen-2: "Benign". The asparagine amino acid residue is found in multiple mammalian species, which suggests that this missense change does not adversely affect protein function. In summary, the available evidence is currently insufficient to determine the role of this variant in disease. Therefore, it has been classified as a Variant of Uncertain Significance.

Ambry Genetics
Classification: Uncertain significance for Hereditary cancer-predisposing syndrome. Last evaluated: 2024-05-10. Review status: criteria provided, single submitter. Criteria: Ambry Variant Classification Scheme 2023. Collection method: clinical testing. Allele origin: germline.
Comment: The p.K375N variant (also known as c.1125G>C), located in coding exon 7 of the MSH3 gene, results from a G to C substitution at nucleotide position 1125. The lysine at codon 375 is replaced by asparagine, an amino acid with similar properties. This amino acid position is conserved. In addition, this alteration is predicted to be tolerated by in silico analysis. Based on the available evidence, the clinical significance of this variant remains unclear.

NM_002439.5(MSH3):c.1125G>C (p.Lys375Asn)

Gene: MSH3 (mutS homolog 3; plus strand). Cytogenetic location: 5q14.1.
Variant type: single nucleotide variant.
Coding change: c.1125G>C on transcript NM_002439.5 (MANE Select); coding-DNA position 1125, G replaced by C.
Protein change: p.Lys375Asn; replaces lysine 375 with asparagine.
Molecular consequence: missense variant.
Genome position (GRCh38, 1-based): chr5:80,675,080, G>C. VCF-style: chr5-80675080-G-C. GRCh37 (hg19) VCF-style: chr5-79970899-G-C.
Other names: short protein forms K375N.
Identifiers: ClinVar variation 3296290 (VCV003296290.3).